The following is an entry in ClinVar:

ClinVar aggregate classification (germline): Uncertain significance (1 of 4 stars; one submission).

Allele frequency attached by ClinVar (database versions not stated): gnomAD exomes below 0.00001; ExAC 0.00001.
gnomAD v4.1: 2 of 1,613,592 alleles (0.00012%); highest among the groups gnomAD compares: Non-Finnish European, 0.00017%; no homozygotes.

Submission:

Ambry Genetics
Classification: Uncertain significance. Last evaluated: 2022-11-25. Review status: criteria provided, single submitter. Criteria: Ambry Variant Classification Scheme 2023. Collection method: clinical testing. Allele origin: germline.
Comment: The p.Q645H variant (also known as c.1935G>C), located in coding exon 3 of the ALPK2 gene, results from a G to C substitution at nucleotide position 1935. The glutamine at codon 645 is replaced by histidine, an amino acid with highly similar properties. This amino acid position is conserved. In addition, this alteration is predicted to be tolerated by in silico analysis. Since supporting evidence is limited at this time, the clinical significance of this alteration remains unclear.

NM_052947.4(ALPK2):c.1935G>C (p.Gln645His)

Gene: ALPK2 (alpha kinase 2; minus strand). Cytogenetic location: 18q21.31.
Variant type: single nucleotide variant.
Coding change: c.1935G>C on transcript NM_052947.4 (MANE Select); coding-DNA position 1935, G replaced by C.
Protein change: p.Gln645His; replaces glutamine 645 with histidine.
Molecular consequence: missense variant.
Genome position (GRCh38, 1-based): chr18:58,578,841, C>G on the plus strand (G>C on the coding strand, the complement: ALPK2 is on the minus strand). VCF-style: chr18-58578841-C-G. GRCh37 (hg19) VCF-style: chr18-56246073-C-G.
Other names: short protein forms Q645H.
Identifiers: ClinVar variation 2449212 (VCV002449212.2), dbSNP rs764966803, ClinGen allele CA8977172.